The following is an entry in ClinVar:

NM_015271.5(TRIM2):c.1289T>G (p.Leu430Arg)

Gene: TRIM2 (tripartite motif containing 2; plus strand). Cytogenetic location: 4q31.3.
Variant type: single nucleotide variant.
Coding change: c.1289T>G on transcript NM_015271.5 (MANE Select); coding-DNA position 1289, T replaced by G.
Protein change: p.Leu430Arg; replaces leucine 430 with arginine.
Molecular consequence: missense variant.
Genome position (GRCh38, 1-based): chr4:153,295,815, T>G. VCF-style: chr4-153295815-T-G. GRCh37 (hg19) VCF-style: chr4-154216967-T-G.
Other names: c.1208T>G, p.Leu403Arg (NM_001130067.2, NM_001351056.2, NM_001375512.1 and 5 more transcripts); c.1262T>G, p.Leu421Arg (NM_001351054.2); c.1259T>G, p.Leu420Arg (NM_001351055.2); c.833T>G, p.Leu278Arg (NM_001351057.2); c.1382T>G, p.Leu461Arg (NM_001375488.1); c.1379T>G, p.Leu460Arg (NM_001375489.1); c.1232T>G, p.Leu411Arg (NM_001375490.1); c.1229T>G, p.Leu410Arg (NM_001375491.1); and 3 more; short protein forms L317R, L319R, L403R, L420R, L461R, L318R, L421R, L460R.
Identifiers: ClinVar variation 2123759 (VCV002123759.4), dbSNP rs1762651971, ClinGen allele CA358473395.

ClinVar aggregate classification (germline): Uncertain significance (1 of 4 stars; one submission).

Conditions:
Charcot-Marie-Tooth disease type 2R. Also called: CHARCOT-MARIE-TOOTH NEUROPATHY, TYPE 2R; Charcot-Marie-Tooth disease, axonal, type 2R; CHARCOT-MARIE-TOOTH DISEASE, AXONAL, AUTOSOMAL RECESSIVE, TYPE 2R. Identifiers: Orphanet 397968, MedGen C3809655, MONDO:0014208, OMIM 615490.

Submission:

Labcorp Genetics (formerly Invitae), Labcorp
Classification: Uncertain significance for Charcot-Marie-Tooth disease type 2R. Last evaluated: 2022-04-09. Review status: criteria provided, single submitter. Criteria: Invitae Variant Classification Sherloc (09022015). Collection method: clinical testing. Allele origin: germline.
Comment: This variant is not present in population databases (gnomAD no frequency). This sequence change replaces leucine, which is neutral and non-polar, with arginine, which is basic and polar, at codon 403 of the TRIM2 protein (p.Leu403Arg). This variant has not been reported in the literature in individuals affected with TRIM2-related conditions. Algorithms developed to predict the effect of missense changes on protein structure and function are either unavailable or do not agree on the potential impact of this missense change (SIFT: "Deleterious"; PolyPhen-2: "Probably Damaging"; Align-GVGD: "Class C0"). In summary, the available evidence is currently insufficient to determine the role of this variant in disease. Therefore, it has been classified as a Variant of Uncertain Significance.